The following is an entry in ClinVar:

ClinVar aggregate classification (germline): Pathogenic/Likely pathogenic. Review status: criteria provided, multiple submitters, no conflicts (2 of 4 stars). 3 submissions from 3 submitters: Pathogenic (1); Likely pathogenic (2). Last evaluated 2025-10-14.

Conditions:
Neurofibromatosis, type 1 (NF1). Also called: Neurofibromatosis, type I; VON RECKLINGHAUSEN DISEASE; Peripheral type neurofibromatosis; NEUROFIBROMATOSIS, TYPE I, SOMATIC. Identifiers: Orphanet 636, MedGen C0027831, MONDO:0018975, OMIM 162200. Disease mechanism: loss of function.

Submissions (3):

Labcorp Genetics (formerly Invitae), Labcorp
Classification: Pathogenic for Neurofibromatosis, type 1. Last evaluated: 2025-10-14. Review status: criteria provided, single submitter. Criteria: Invitae Variant Classification Sherloc (09022015). Collection method: clinical testing. Allele origin: germline.
Comment: This sequence change creates a premature translational stop signal (p.Ile1867Serfs*6) in the NF1 gene. It is expected to result in an absent or disrupted protein product. Loss-of-function variants in NF1 are known to be pathogenic (PMID: 10712197, 23913538). This variant is not present in population databases (gnomAD no frequency). This variant has not been reported in the literature in individuals affected with NF1-related conditions. ClinVar contains an entry for this variant (Variation ID: 848857). For these reasons, this variant has been classified as Pathogenic.

Women's Health and Genetics/Laboratory Corporation of America, LabCorp
Classification: Likely pathogenic for Neurofibromatosis, type 1. Last evaluated: 2022-03-29. Review status: criteria provided, single submitter. Criteria: LabCorp Variant Classification Summary - May 2015. Collection method: clinical testing. Allele origin: germline.
Comment: Variant summary: NF1 c.5599delA (p.Ile1867SerfsX6) results in a premature termination codon, predicted to cause a truncation of the encoded protein or absence of the protein due to nonsense mediated decay, which are commonly known mechanisms for disease. Truncations downstream of this position have been classified as pathogenic by our laboratory. The variant was absent in 251336 control chromosomes (gnomAD). To our knowledge, no occurrence of c.5599delA in individuals affected with Neurofibromatosis Type 1 and no experimental evidence demonstrating its impact on protein function have been reported. One clinical diagnostic laboratory has submitted clinical-significance assessments for this variant to ClinVar after 2014 and classified the variant as pathogenic. Based on the evidence outlined above, the variant was classified as likely pathogenic.

Genome-Nilou Lab
Classification: Likely pathogenic for Neurofibromatosis, type 1. Last evaluated: 2022-03-15. Review status: criteria provided, single submitter. Criteria: ACMG Guidelines, 2015. Collection method: clinical testing. Allele origin: germline. Affected: no.

Literature cited by the submitters: PubMed 10712197 (cited by Labcorp Genetics (formerly Invitae), Labcorp); PubMed 23913538 (cited by Labcorp Genetics (formerly Invitae), Labcorp).

NM_001042492.3(NF1):c.5662del (p.Ile1888fs)

Gene: NF1 (neurofibromin 1; plus strand). Cytogenetic location: 17q11.2.
Variant type: Deletion.
Coding change: c.5662del on transcript NM_001042492.3 (MANE Select); coding-DNA position 5662, one base deleted (A; older notation c.5662delA).
Protein change: p.Ile1888fs; shifts the reading frame from isoleucine 1888.
Molecular consequence: frameshift variant.
Genome position (GRCh38, 1-based): chr17:31,330,348, A deleted; the last of 5 consecutive A bases (chr17:31,330,344-31,330,348); deleting any one gives the same sequence. VCF-style (leftmost placement, unchanged base first): chr17-31330343-TA-T. GRCh37 (hg19) VCF-style: chr17-29657361-TA-T.
Other names: c.5599delA (NM_000267.3); c.5599delA, p.Ile1867Serfs (NM_000267.4); short protein forms I1888fs, I1867fs.
Identifiers: ClinVar variation 848857 (VCV000848857.8), dbSNP rs2069449497, ClinGen allele CA916080643.